The following is an entry in ClinVar:

NM_020297.4(ABCC9):c.406+14C>G

Gene: ABCC9 (ATP binding cassette subfamily C member 9; minus strand). Cytogenetic location: 12p12.1.
Variant type: single nucleotide variant.
Coding change: c.406+14C>G on transcript NM_020297.4 (MANE Select); 14 bases into the intron after coding-DNA position 406, C replaced by G.
Molecular consequence: intron variant.
Genome position (GRCh38, 1-based): chr12:21,925,928, G>C on the plus strand (C>G on the coding strand, the complement: ABCC9 is on the minus strand). VCF-style: chr12-21925928-G-C. GRCh37 (hg19) VCF-style: chr12-22078862-G-C.
Other names: c.-49+14C>G (NM_001377274.1); c.406+14C>G (NM_005691.4, NM_001377273.1).
Identifiers: ClinVar variation 227162 (VCV000227162.4), dbSNP rs752547896, ClinGen allele CA6481890.
Genomic context (GRCh38, chr12:21,925,928, plus strand): 5'-AAAAGAAAAATAACCCTTTGGGGGGAAAAACAAATATCTCTTTAAGGAGAAACAACAAAA[G>C]TGATCATACTTACCTAAAAGTAATTTAGGAAAATTTGATGTTTCGATATTATGATAATAC-3'

ClinVar aggregate classification (germline): Likely benign (1 of 4 stars; one submission).

Allele frequency attached by ClinVar (database versions not stated): gnomAD exomes 0.00001; ExAC 0.00001.
gnomAD v4.1: 7 of 1,605,492 alleles (0.00044%); highest among the groups gnomAD compares: South Asian, 0.0077%; no homozygotes.

Submission:

Laboratory for Molecular Medicine, Mass General Brigham Personalized Medicine
Classification: Likely benign. Last evaluated: 2015-08-12. Review status: criteria provided, single submitter. Criteria: LMM Criteria. Collection method: clinical testing. Allele origin: germline. Observed: 1 variant allele.
Comment: c.406+14C>G in intron 3 of ABCC9: This variant is not expected to have clinical significance because it is not located within the splice consensus sequence. It has been identified in 1/16504 South Asian chromosomes by the Exome Aggregation Consortium (ExAC; dbSNP rs752547896).